The following is an entry in ClinVar:

NM_019112.4(ABCA7):c.4358G>A (p.Arg1453His)

Gene: ABCA7 (ATP binding cassette subfamily A member 7; plus strand). Cytogenetic location: 19p13.3.
Variant type: single nucleotide variant.
Coding change: c.4358G>A on transcript NM_019112.4 (MANE Select); coding-DNA position 4358, G replaced by A.
Protein change: p.Arg1453His; replaces arginine 1453 with histidine.
Molecular consequence: missense variant.
Genome position (GRCh38, 1-based): chr19:1,056,185, G>A. VCF-style: chr19-1056185-G-A. GRCh37 (hg19) VCF-style: chr19-1056184-G-A.
Other names: short protein forms R1453H.
Identifiers: ClinVar variation 2585166 (VCV002585166.1), dbSNP rs140809830, ClinGen allele CA9034458.

ClinVar aggregate classification (germline): Uncertain significance (1 of 4 stars; one submission).

Conditions:
Alzheimer disease 9. Also called: ALZHEIMER DISEASE 9, LATE-ONSET; ALZHEIMER DISEASE 9, SUSCEPTIBILITY TO. Identifiers: MedGen C4282179, MONDO:0012153, OMIM 608907.

Allele frequency attached by ClinVar (database versions not stated): gnomAD 0.00002; gnomAD exomes 0.00004; ExAC 0.00005; ESP Exome Variant Server 0.00008.
gnomAD v4.1: 70 of 1,606,648 alleles (0.0044%); highest among the groups gnomAD compares: Middle Eastern, 0.066%; no homozygotes.

Submission:

Neuberg Centre For Genomic Medicine, NCGM
Classification: Uncertain significance for Alzheimer disease 9. Review status: criteria provided, single submitter. Criteria: ACMG Guidelines, 2015. Collection method: clinical testing. Allele origin: germline. Inheritance: Autosomal dominant inheritance. Affected: yes.
Comment: The missense variant c.4358G>A (p.Arg1453His) in ABCA7 gene has not been reported previously as a pathogenic variant nor as a benign variant, to our knowledge. The p.Arg1453His variant is reported with the allele frequency (0.0053%) in the gnomAD Exomes and is novel (not in any individuals) in 1000 Genomes. The amino acid Arg at position 1453 is changed to a His changing protein sequence and it might alter its composition and physico-chemical properties. The variant is predicted to be damaging by SIFT and the residue is variable across species. The amino acid change p.Arg1453His in ABCA7 is predicted as conserved by PhyloP across 100 vertebrates. For these reasons, this variant has been classified as Variant of Uncertain Significance (VUS).